The following is an entry in ClinVar:

ClinVar aggregate classification (germline): Uncertain significance (1 of 4 stars; one submission).

Conditions:
Inborn genetic diseases. Identifiers: MedGen C0950123, MeSH D030342.

Submission:

Ambry Genetics
Classification: Uncertain significance for Inborn genetic diseases. Last evaluated: 2017-07-24. Review status: criteria provided, single submitter. Criteria: Ambry Variant Classification Scheme 2023. Collection method: clinical testing. Allele origin: germline.
Comment: The c.4042+5A>G intronic variant results from an A to G substitution 5 nucleotides after coding exon 25 in the VPS13B gene. This nucleotide position is not well conserved in available vertebrate species. Using the BDGP and ESEfinder splice site prediction tools, this alteration is not predicted to have any significant effect on this splice donor site; however, direct evidence is unavailable. Since supporting evidence is limited at this time, the clinical significance of this alteration remains unclear.

NM_152564.5(VPS13B):c.4042+5A>G

Gene: VPS13B (vacuolar protein sorting 13 homolog B; plus strand). Cytogenetic location: 8q22.2.
Variant type: single nucleotide variant.
Coding change: c.4042+5A>G on transcript NM_152564.5 (MANE Select); 5 bases into the intron after coding-DNA position 4042, A replaced by G.
Molecular consequence: intron variant.
Genome position (GRCh38, 1-based): chr8:99,501,863, A>G. VCF-style: chr8-99501863-A-G. GRCh37 (hg19) VCF-style: chr8-100514091-A-G.
Other names: c.4042+5A>G (NM_017890.5).
Identifiers: ClinVar variation 1737293 (VCV001737293.2), dbSNP rs2490448982, ClinGen allele CA2580079131.